The following is an entry in ClinVar:

ClinVar aggregate classification (germline): Pathogenic/Likely pathogenic. Review status: criteria provided, multiple submitters, no conflicts (2 of 4 stars). 6 submissions from 6 submitters: Pathogenic (2); Likely pathogenic (2). 2 of the submissions do not count toward it. Last evaluated 2025-09-02.

Conditions:
Deficiency of mevalonate kinase. Also called: Mevalonate kinase deficiency. Identifiers: Orphanet 309025, MedGen C0342731, MONDO:0017708.
Porokeratosis 3, disseminated superficial actinic type (POROK3). Also called: POROKERATOSIS, DISSEMINATED SUPERFICIAL ACTINIC, 1; POROKERATOSIS 3, MULTIPLE TYPES; POROKERATOSIS 3, MIBELLI TYPE. Identifiers: MedGen C1867981, MONDO:0008293, OMIM 175900.
Mevalonic aciduria (MEVA). Identifiers: Orphanet 29, MedGen C1959626, MONDO:0012481, OMIM 610377.
Hyperimmunoglobulin D with periodic fever (HIDS). Also called: HYPERIMMUNOGLOBULINEMIA D AND PERIODIC FEVER SYNDROME; Hyperimmunoglobulinemia D with periodic fever; Hyperimmunoglobulinemia D. Identifiers: Orphanet 343, MedGen C0398691, MONDO:0009849, OMIM 260920.

Allele frequency attached by ClinVar (database versions not stated): gnomAD exomes 0.00001; TOPMed 0.00001; ExAC 0.00002.
gnomAD v4.1: 12 of 1,614,122 alleles (0.00074%); highest among the groups gnomAD compares: Admixed American, 0.0033%; no homozygotes.

Submissions (6):

Labcorp Genetics (formerly Invitae), Labcorp
Classification: Pathogenic for Mevalonic aciduria; Hyperimmunoglobulin D with periodic fever; Porokeratosis 3, disseminated superficial actinic type. Last evaluated: 2025-09-02. Review status: criteria provided, single submitter. Criteria: Invitae Variant Classification Sherloc (09022015). Collection method: clinical testing. Allele origin: germline.
Comment: This sequence change replaces glycine, which is neutral and non-polar, with serine, which is neutral and polar, at codon 336 of the MVK protein (p.Gly336Ser). This variant is present in population databases (rs104895358, gnomAD 0.003%). This missense change has been observed in individual(s) with clinical features of autosomal recessive MVK-related conditions (PMID: 19786432, 26935981, 26986117, 27213830, 27899390, 33042144). ClinVar contains an entry for this variant (Variation ID: 97561). Invitae Evidence Modeling of protein sequence and biophysical properties (such as structural, functional, and spatial information, amino acid conservation, physicochemical variation, residue mobility, and thermodynamic stability) indicates that this missense variant is expected to disrupt MVK protein function with a positive predictive value of 95%. For these reasons, this variant has been classified as Pathogenic.

Myriad Genetics, Inc.
Classification: Likely pathogenic for Deficiency of mevalonate kinase. Last evaluated: 2025-07-24. Review status: criteria provided, single submitter. Criteria: Myriad Autosomal Dominant, Autosomal Recessive and X-Linked Classification Criteria (2023). Collection method: clinical testing. Allele origin: unknown.
Comment: NM_000431.2(MVK):c.1006G>A(G336S) is a missense variant classified as likely pathogenic in the context of mevalonate kinase deficiency. G336S has been observed in cases with relevant disease (PMID: 26935981, 27899390, 39052144, 26965418, 32252977, 25469482, 27213830). Relevant functional assessments of this variant are not available in the literature. G336S has been observed in referenced population frequency databases. In summary, NM_000431.2(MVK):c.1006G>A(G336S) is a missense variant that has been observed more frequently in cases with the relevant disease than in healthy populations. Please note: this variant was assessed in the context of healthy population screening.

Fulgent Genetics
Classification: Likely pathogenic for Porokeratosis 3, disseminated superficial actinic type; Hyperimmunoglobulin D with periodic fever; Mevalonic aciduria. Last evaluated: 2024-05-16. Review status: criteria provided, single submitter. Criteria: ACMG Guidelines, 2015. Collection method: clinical testing. Allele origin: germline.

Women's Health and Genetics/Laboratory Corporation of America, LabCorp
Classification: Pathogenic for Mevalonic aciduria. Last evaluated: 2024-05-15. Review status: criteria provided, single submitter. Criteria: LabCorp Variant Classification Summary - May 2015. Collection method: clinical testing. Allele origin: germline.
Comment: Variant summary: MVK c.1006G>A (p.Gly336Ser) results in a non-conservative amino acid change located in the GHMP kinase, C-terminal domain (IPR013750) of the encoded protein sequence. Five of five in-silico tools predict a damaging effect of the variant on protein function. The variant allele was found at a frequency of 1.2e-05 in 251104 control chromosomes. c.1006G>A has been reported in the literature as homozygous or in the compound heteroztygous state with a pathogenic variant in multiple individuals affected with autosomal recessive Hyperimmunoglobulin D with periodic fever with or without Mevalonic aciduria (e.g. Martini_2009, Marcuzzi_2016, ter Haar_2016, Schlabe_2016, Papa_2017, Rodrigues_2020, Wang_2020). These data indicate that the variant is very likely to be associated with disease. To our knowledge, no experimental evidence demonstrating an impact on protein function has been reported. The following publications have been ascertained in the context of this evaluation (PMID: 19036780, 26935981, 29047407, 32252977, 27899390, 33042144, 27213830). ClinVar contains an entry for this variant (Variation ID: 97561). Based on the evidence outlined above, the variant was classified as pathogenic.

Clinic of Clinical Immunology with Stem Cell Bank, Expert Centre for Rare Diseases - PID, University Hospital "Alexandrovska"
Classification: Likely pathogenic for Hyperimmunoglobulin D with periodic fever. Last evaluated: 2022-05-01. Review status: no assertion criteria provided. Collection method: clinical testing. Allele origin: germline. Affected: yes. Not counted in ClinVar's aggregate classification.

Unité médicale des maladies autoinflammatoires, CHRU Montpellier
No classification provided. Condition: Hyperimmunoglobulin D with periodic fever. Review status: no classification provided. Collection method: not provided. Allele origin: unknown. Not counted in ClinVar's aggregate classification.
Comment: also involved in OMIM 25117

Literature cited by the submitters: PubMed 19786432 (cited by Labcorp Genetics (formerly Invitae), Labcorp); PubMed 26935981 (cited by 3 submitters); PubMed 26986117 (cited by Labcorp Genetics (formerly Invitae), Labcorp); PubMed 27213830 (cited by 3 submitters); PubMed 27899390 (cited by 3 submitters); PubMed 33042144 (cited by Labcorp Genetics (formerly Invitae), Labcorp and Women's Health and Genetics/Laboratory Corporation of America, LabCorp); PubMed 25469482 (cited by Myriad Genetics, Inc.); PubMed 26965418 (cited by Myriad Genetics, Inc.); PubMed 32252977 (cited by Myriad Genetics, Inc. and Women's Health and Genetics/Laboratory Corporation of America, LabCorp); PubMed 39052144 (cited by Myriad Genetics, Inc.); PubMed 29047407 (cited by Women's Health and Genetics/Laboratory Corporation of America, LabCorp); PubMed 19036780 (cited by Women's Health and Genetics/Laboratory Corporation of America, LabCorp).

NM_000431.4(MVK):c.1006G>A (p.Gly336Ser)

Gene: MVK (mevalonate kinase; plus strand). Cytogenetic location: 12q24.11.
Variant type: single nucleotide variant.
Coding change: c.1006G>A on transcript NM_000431.4 (MANE Select); coding-DNA position 1006, G replaced by A.
Protein change: p.Gly336Ser; replaces glycine 336 with serine.
Molecular consequence: missense variant.
Genome position (GRCh38, 1-based): chr12:109,595,148, G>A. VCF-style: chr12-109595148-G-A. GRCh37 (hg19) VCF-style: chr12-110032953-G-A.
Other names: c.1006G>A, p.Gly336Ser (NM_001114185.3); c.850G>A, p.Gly284Ser (NM_001301182.2); short protein forms G336S, G284S.
Identifiers: ClinVar variation 97561 (VCV000097561.9), dbSNP rs104895358, ClinGen allele CA149767.